The following is an entry in ClinVar:

ClinVar aggregate classification (germline): Likely benign (1 of 4 stars; one submission).

Allele frequency attached by ClinVar (database versions not stated): TOPMed 0.00013; gnomAD 0.00023; gnomAD exomes 0.00045; ExAC 0.00092; 1000 Genomes Project 0.00120; 1000 Genomes Project 30x 0.00125.
gnomAD v4.1: 699 of 1,613,936 alleles (0.043%); highest among the groups gnomAD compares: South Asian, 0.65%; 5 homozygotes.

Submission:

CeGaT Center for Human Genetics Tuebingen
Classification: Likely benign. Last evaluated: 2023-02-01. Review status: criteria provided, single submitter. Criteria: CeGaT Center For Human Genetics Tuebingen Variant Classification Criteria Version 2. Collection method: clinical testing. Allele origin: germline. Affected: yes. Observed: 1 variant allele.
Comment: LRRC37A3: BP4, BP7

NM_199340.5(LRRC37A3):c.4029G>A (p.Pro1343=)

Gene: LRRC37A3 (leucine rich repeat containing 37 member A3). Cytogenetic location: 17q24.1.
Variant type: single nucleotide variant.
Coding change: c.4029G>A on transcript NM_199340.5 (MANE Select); coding-DNA position 4029, G replaced by A.
Protein change: p.Pro1343=; no amino-acid change (proline 1343 retained).
Molecular consequence: synonymous variant.
Genome position (GRCh38, 1-based): chr17:64,860,117, C>T on the plus strand (G>A on the coding strand, the complement: LRRC37A3 is on the minus strand). VCF-style: chr17-64860117-C-T. GRCh37 (hg19) VCF-style: chr17-62856235-C-T.
Other names: c.1383G>A, p.Pro461= (NM_001303255.3).
Identifiers: ClinVar variation 2648102 (VCV002648102.24), dbSNP rs555242552, ClinGen allele CA8716507.